The following is an entry in ClinVar:

NM_000053.4(ATP7B):c.51+110G>A

Gene: ATP7B (ATPase copper transporting beta; minus strand). Cytogenetic location: 13q14.3.
Variant type: single nucleotide variant.
Coding change: c.51+110G>A on transcript NM_000053.4 (MANE Select); 110 bases into the intron after coding-DNA position 51, G replaced by A.
Molecular consequence: intron variant.
Genome position (GRCh38, 1-based): chr13:52,011,177, C>T on the plus strand (G>A on the coding strand, the complement: ATP7B is on the minus strand). VCF-style: chr13-52011177-C-T. GRCh37 (hg19) VCF-style: chr13-52585313-C-T.
Other names: c.51+110G>A (NM_001243182.2, NM_001005918.3, NM_001330579.2 and 1 more transcripts).
Identifiers: ClinVar variation 676440 (VCV000676440.5), dbSNP rs61958788, ClinGen allele CA13886030.

ClinVar aggregate classification (germline): Benign/Likely benign. Review status: criteria provided, multiple submitters, no conflicts (2 of 4 stars). 3 submissions from 3 submitters: Benign (1); Likely benign (2). Last evaluated 2021-07-01.

Conditions:
Wilson disease (WND). Also called: Wilson's disease. Identifiers: Orphanet 905, MedGen C0019202, MONDO:0010200, OMIM 277900. Disease mechanism: loss of function.

Allele frequency attached by ClinVar (database versions not stated): 1000 Genomes Project 30x 0.03592; 1000 Genomes Project 0.03654; TOPMed 0.04041; gnomAD 0.04081 and 0.04232; gnomAD exomes 0.04646.
gnomAD v4.1: 70,298 of 1,526,568 alleles (4.6%); highest among the groups gnomAD compares: South Asian, 9%; 1,914 homozygotes.

Submissions (3):

Genome-Nilou Lab
Classification: Benign for Wilson disease. Last evaluated: 2021-07-01. Review status: criteria provided, single submitter. Criteria: ACMG Guidelines, 2015. Collection method: clinical testing. Allele origin: germline. Affected: no.

GeneDx
Classification: Likely benign. Last evaluated: 2018-06-14. Review status: criteria provided, single submitter. Criteria: GeneDx Variant Classification (06012015). Collection method: clinical testing. Allele origin: germline. Affected: yes.
Comment: This variant is considered likely benign or benign based on one or more of the following criteria: it is a conservative change, it occurs at a poorly conserved position in the protein, it is predicted to be benign by multiple in silico algorithms, and/or has population frequency not consistent with disease.

Breakthrough Genomics
Classification: Likely benign. Review status: criteria provided, single submitter. Criteria: ACMG Guidelines, 2015. Collection method: not provided. Allele origin: germline. Inheritance: Autosomal recessive inheritance. Affected: yes.